The following is an entry in ClinVar:

NM_001127644.2(GABRA1):c.1321_1324delinsC (p.Thr441_Tyr442delinsHis)

Gene: GABRA1 (gamma-aminobutyric acid type A receptor subunit alpha1; plus strand). Cytogenetic location: 5q34.
Variant type: Indel.
Coding change: c.1321_1324delinsC on transcript NM_001127644.2 (MANE Select); coding-DNA positions 1321 to 1324, ACGT replaced by C.
Protein change: p.Thr441_Tyr442delinsHis.
Molecular consequence: inframe indel.
Genome position (GRCh38, 1-based): chr5:161,897,372-161,897,375, ACGT replaced by C. VCF-style: chr5-161897372-ACGT-C. GRCh37 (hg19) VCF-style: chr5-161324378-ACGT-C.
Other names: c.1321_1324delinsC, p.Thr441_Tyr442delinsHis (NM_000806.5, NM_001127643.2, NM_001127645.2 and 1 more transcripts).
Identifiers: ClinVar variation 970934 (VCV000970934.6), dbSNP rs1755416915, ClinGen allele CA1139659148.

ClinVar aggregate classification (germline): Uncertain significance (1 of 4 stars; one submission).

Conditions:
Idiopathic generalized epilepsy. Also called: Generalised epilepsy; EIG. Identifiers: MedGen C0270850, MONDO:0005579, OMIM 600669.
Epilepsy, idiopathic generalized, susceptibility to, 13. Also called: EPILEPSY, JUVENILE MYOCLONIC, SUSCEPTIBILITY TO, 5. Identifiers: Orphanet 307, Orphanet 64280, MedGen C4013473, MONDO:0012627, OMIM 611136.
Epilepsy, childhood absence 4 (ECA4). Also called: EPILEPSY, CHILDHOOD ABSENCE, SUSCEPTIBILITY TO, 4. Identifiers: Orphanet 307, MedGen C1970160.

Submission:

Labcorp Genetics (formerly Invitae), Labcorp
Classification: Uncertain significance for Epilepsy, childhood absence 4; Epilepsy, idiopathic generalized, susceptibility to, 13; Idiopathic generalized epilepsy. Last evaluated: 2019-08-21. Review status: criteria provided, single submitter. Criteria: Invitae Variant Classification Sherloc (09022015). Collection method: clinical testing. Allele origin: germline.
Comment: In summary, the available evidence is currently insufficient to determine the role of this variant in disease. Therefore, it has been classified as a Variant of Uncertain Significance. This variant, c.1321_1324delinsC, is a complex sequence change that results in the deletion of 2 amino acids and the insertion of 1 amino acid in the GABRA1 protein (p.Thr441_Tyr442delinsHis). Experimental studies and prediction algorithms are not available or were not evaluated for this variant, and the functional significance of this variant is currently unknown. This variant has not been reported in the literature in individuals with GABRA1-related conditions. This variant is not present in population databases (ExAC no frequency).